The following is an entry in ClinVar:

ClinVar aggregate classification (germline): Pathogenic (1 of 4 stars; one submission).

Submission:

Labcorp Genetics (formerly Invitae), Labcorp
Classification: Pathogenic. Last evaluated: 2024-02-14. Review status: criteria provided, single submitter. Criteria: Invitae Variant Classification Sherloc (09022015). Collection method: clinical testing. Allele origin: germline.
Comment: This sequence change creates a premature translational stop signal (p.Arg3341Glyfs*69) in the ZNF469 gene. While this is not anticipated to result in nonsense mediated decay, it is expected to disrupt the last 585 amino acid(s) of the ZNF469 protein. This variant is not present in population databases (gnomAD no frequency). This variant has not been reported in the literature in individuals affected with ZNF469-related conditions. This variant disrupts a region of the ZNF469 protein in which other variant(s) (p.Arg3414Glyfs*59) have been determined to be pathogenic (PMID: 32671420). This suggests that this is a clinically significant region of the protein, and that variants that disrupt it are likely to be disease-causing. For these reasons, this variant has been classified as Pathogenic.

Literature cited by the submitters: PubMed 32671420.

NM_001367624.2(ZNF469):c.10105del (p.Arg3369fs)

Genes: ZNF469 (zinc finger protein 469; plus strand), LOC130059719 (ATAC-STARR-seq lymphoblastoid silent region 7848; plus strand). Cytogenetic location: 16q24.2.
Variant type: Deletion.
Coding change: c.10105del on transcript NM_001367624.2 (MANE Select); coding-DNA position 10105, one base deleted (C; older notation c.10105delC).
Protein change: p.Arg3369fs; shifts the reading frame from arginine 3369.
Molecular consequence: frameshift variant.
Genome position (GRCh38, 1-based): chr16:88,437,575, C deleted; the last of 5 consecutive C bases (chr16:88,437,571-88,437,575); deleting any one gives the same sequence. VCF-style (leftmost placement, unchanged base first): chr16-88437570-GC-G. GRCh37 (hg19) VCF-style: chr16-88503978-GC-G.
Other names: short protein forms R3369fs.
Identifiers: ClinVar variation 3640920 (VCV003640920.2).